The following is an entry in ClinVar:

NM_032806.6(POMGNT2):c.1465C>T (p.Arg489Trp)

Gene: POMGNT2 (protein O-linked mannose N-acetylglucosaminyltransferase 2 (beta 1,4-); minus strand). Cytogenetic location: 3p22.1.
Variant type: single nucleotide variant.
Coding change: c.1465C>T on transcript NM_032806.6 (MANE Select); coding-DNA position 1465, C replaced by T.
Protein change: p.Arg489Trp; replaces arginine 489 with tryptophan.
Molecular consequence: missense variant.
Genome position (GRCh38, 1-based): chr3:43,079,967, G>A on the plus strand (C>T on the coding strand, the complement: POMGNT2 is on the minus strand). VCF-style: chr3-43079967-G-A. GRCh37 (hg19) VCF-style: chr3-43121459-G-A.
Other names: short protein forms R489W.
Identifiers: ClinVar variation 965908 (VCV000965908.4), dbSNP rs748981500, ClinGen allele CA2339841.

ClinVar aggregate classification (germline): Uncertain significance (1 of 4 stars; one submission).

Conditions:
Muscular dystrophy-dystroglycanopathy (congenital with brain and eye anomalies), type a, 8 (MDDGA8). Also called: WALKER-WARBURG SYNDROME OR MUSCLE-EYE-BRAIN DISEASE, GTDC2-RELATED. Identifiers: Orphanet 899, MedGen C3553813, MONDO:0013904, OMIM 614830.

Allele frequency attached by ClinVar (database versions not stated): gnomAD exomes below 0.00001 and 0.00001; TOPMed below 0.00001; ExAC 0.00001; gnomAD 0.00001.

Submission:

Labcorp Genetics (formerly Invitae), Labcorp
Classification: Uncertain significance for Muscular dystrophy-dystroglycanopathy (congenital with brain and eye anomalies), type a, 8. Last evaluated: 2021-08-26. Review status: criteria provided, single submitter. Criteria: Invitae Variant Classification Sherloc (09022015). Collection method: clinical testing. Allele origin: germline.
Comment: This sequence change replaces arginine with tryptophan at codon 489 of the POMGNT2 protein (p.Arg489Trp). The arginine residue is highly conserved and there is a moderate physicochemical difference between arginine and tryptophan. This variant is present in population databases (rs748981500, ExAC 0.02%). This variant has not been reported in the literature in individuals affected with POMGNT2-related conditions. Algorithms developed to predict the effect of missense changes on protein structure and function (SIFT, PolyPhen-2, Align-GVGD) all suggest that this variant is likely to be disruptive. In summary, the available evidence is currently insufficient to determine the role of this variant in disease. Therefore, it has been classified as a Variant of Uncertain Significance.